The following is an entry in ClinVar:

ClinVar aggregate classification (germline): Uncertain significance (1 of 4 stars; one submission).

Allele frequency attached by ClinVar (database versions not stated): gnomAD exomes below 0.00001.
gnomAD v4.1: 1 of 1,614,200 alleles (0.000062%); highest among the groups gnomAD compares: South Asian, 0.0011%; no homozygotes.

Submission:

Labcorp Genetics (formerly Invitae), Labcorp
Classification: Uncertain significance. Last evaluated: 2021-08-19. Review status: criteria provided, single submitter. Criteria: Invitae Variant Classification Sherloc (09022015). Collection method: clinical testing. Allele origin: germline.
Comment: This sequence change replaces aspartic acid with glutamic acid at codon 565 of the LRP2 protein (p.Asp565Glu). The aspartic acid residue is highly conserved and there is a small physicochemical difference between aspartic acid and glutamic acid. This variant is not present in population databases (ExAC no frequency). This variant has not been reported in the literature in individuals affected with LRP2-related conditions. Advanced modeling of protein sequence and biophysical properties (such as structural, functional, and spatial information, amino acid conservation, physicochemical variation, residue mobility, and thermodynamic stability) performed at Invitae indicates that this missense variant is expected to disrupt LRP2 protein function. In summary, the available evidence is currently insufficient to determine the role of this variant in disease. Therefore, it has been classified as a Variant of Uncertain Significance.

NM_004525.3(LRP2):c.1695T>A (p.Asp565Glu)

Gene: LRP2 (LDL receptor related protein 2; minus strand). Cytogenetic location: 2q31.1.
Variant type: single nucleotide variant.
Coding change: c.1695T>A on transcript NM_004525.3 (MANE Select); coding-DNA position 1695, T replaced by A.
Protein change: p.Asp565Glu; replaces aspartic acid 565 with glutamic acid.
Molecular consequence: missense variant.
Genome position (GRCh38, 1-based): chr2:169,277,822, A>T on the plus strand (T>A on the coding strand, the complement: LRP2 is on the minus strand). VCF-style: chr2-169277822-A-T. GRCh37 (hg19) VCF-style: chr2-170134332-A-T.
Other names: short protein forms D565E.
Identifiers: ClinVar variation 1524730 (VCV001524730.3), dbSNP rs2105447442, ClinGen allele CA349145593.